The following is an entry in ClinVar:

NM_001174147.2(LMX1B):c.58G>A (p.Asp20Asn)

Gene: LMX1B (LIM homeobox transcription factor 1 beta; plus strand). Cytogenetic location: 9q33.3.
Variant type: single nucleotide variant.
Coding change: c.58G>A on transcript NM_001174147.2 (MANE Select); coding-DNA position 58, G replaced by A.
Protein change: p.Asp20Asn; replaces aspartic acid 20 with asparagine.
Molecular consequence: missense variant.
Genome position (GRCh38, 1-based): chr9:126,614,507, G>A. VCF-style: chr9-126614507-G-A. GRCh37 (hg19) VCF-style: chr9-129376786-G-A.
Other names: c.58G>A, p.Asp20Asn (NM_001174146.2, NM_002316.4); short protein forms D20N.
Identifiers: ClinVar variation 2630445 (VCV002630445.5), dbSNP rs758741262, ClinGen allele CA5242205.

ClinVar aggregate classification (germline): Uncertain significance. Review status: criteria provided, multiple submitters, no conflicts (2 of 4 stars). 3 submissions from 3 submitters: Uncertain significance (3). Last evaluated 2025-09-05.

Conditions:
Inborn genetic diseases. Identifiers: MedGen C0950123, MeSH D030342.
LMX1B-related disorder. Also called: LMX1B-related condition.

Allele frequency attached by ClinVar (database versions not stated): gnomAD exomes 0.00001; TOPMed 0.00001; ExAC 0.00003.
gnomAD v4.1: 16 of 1,607,194 alleles (0.001%); highest among the groups gnomAD compares: Non-Finnish European, 0.0014%; no homozygotes.

Submissions (3):

Ambry Genetics
Classification: Uncertain significance for Inborn genetic diseases. Last evaluated: 2025-09-05. Review status: criteria provided, single submitter. Criteria: Ambry Variant Classification Scheme 2023. Collection method: clinical testing. Allele origin: germline.

Labcorp Genetics (formerly Invitae), Labcorp
Classification: Uncertain significance. Last evaluated: 2024-03-04. Review status: criteria provided, single submitter. Criteria: Invitae Variant Classification Sherloc (09022015). Collection method: clinical testing. Allele origin: germline.
Comment: This sequence change replaces aspartic acid, which is acidic and polar, with asparagine, which is neutral and polar, at codon 20 of the LMX1B protein (p.Asp20Asn). This variant is present in population databases (rs758741262, gnomAD 0.002%). This variant has not been reported in the literature in individuals affected with LMX1B-related conditions. ClinVar contains an entry for this variant (Variation ID: 2630445). An algorithm developed to predict the effect of missense changes on protein structure and function (PolyPhen-2) suggests that this variant is likely to be tolerated. In summary, the available evidence is currently insufficient to determine the role of this variant in disease. Therefore, it has been classified as a Variant of Uncertain Significance.

PreventionGenetics, part of Exact Sciences
Classification: Uncertain significance for LMX1B-related condition. Last evaluated: 2023-02-09. Review status: criteria provided, single submitter. Criteria: ACMG Guidelines, 2015. Collection method: clinical testing. Allele origin: germline.
Comment: The LMX1B c.58G>A variant is predicted to result in the amino acid substitution p.Asp20Asn. To our knowledge, this variant has not been reported in the literature. This variant is reported in 0.0019% of alleles in individuals of European (Non-Finnish) descent in gnomAD. At this time, the clinical significance of this variant is uncertain due to the absence of conclusive functional and genetic evidence.